The following is an entry in ClinVar:

ClinVar aggregate classification (germline): Benign/Likely benign. Review status: criteria provided, multiple submitters, no conflicts (2 of 4 stars). 3 submissions from 3 submitters: Benign (1); Likely benign (1). 1 of the submissions does not count toward it. Last evaluated 2025-12-20.

Conditions:
Encephalopathy, acute, infection-induced (herpes-specific), susceptibility to, 1. Also called: Herpes simplex encephalitis, susceptibility to, 1. Identifiers: Orphanet 1930, MedGen C2750180, MONDO:0024563, OMIM 610551.
UNC93B1-related disorder. Also called: UNC93B1 related condition.

Allele frequency attached by ClinVar (database versions not stated): gnomAD exomes 0.00007; ExAC 0.00028; TOPMed 0.00199; gnomAD 0.00202 and 0.00220; 1000 Genomes Project 0.00200; 1000 Genomes Project 30x 0.00187.

Submissions (3):

Labcorp Genetics (formerly Invitae), Labcorp
Classification: Benign for Encephalopathy, acute, infection-induced (herpes-specific), susceptibility to, 1. Last evaluated: 2025-12-20. Review status: criteria provided, single submitter. Criteria: Invitae Variant Classification Sherloc (09022015). Collection method: clinical testing. Allele origin: germline.

Blueprint Genetics
Classification: Likely benign. Last evaluated: 2024-10-02. Review status: criteria provided, single submitter. Criteria: ACMG Guidelines, 2015. Collection method: clinical testing. Allele origin: germline.

PreventionGenetics, part of Exact Sciences
Classification: Likely benign for UNC93B1-related condition. Last evaluated: 2019-07-10. Review status: no assertion criteria provided. Collection method: clinical testing. Allele origin: germline. Not counted in ClinVar's aggregate classification.
Comment: This variant is classified as likely benign based on ACMG/AMP sequence variant interpretation guidelines (Richards et al. 2015 PMID: 25741868, with internal and published modifications).

NM_030930.4(UNC93B1):c.97-8G>T

Genes: UNC93B1 (unc-93B1 regulator of TLR signaling; minus strand), LOC130006235 (ATAC-STARR-seq lymphoblastoid silent region 3653; plus strand). Cytogenetic location: 11q13.2.
Variant type: single nucleotide variant.
Coding change: c.97-8G>T on transcript NM_030930.4 (MANE Select); 8 bases into the intron before coding-DNA position 97, G replaced by T.
Molecular consequence: intron variant.
Genome position (GRCh38, 1-based): chr11:68,003,806, C>A on the plus strand (G>T on the coding strand, the complement: UNC93B1 is on the minus strand). VCF-style: chr11-68003806-C-A. GRCh37 (hg19) VCF-style: chr11-67771276-C-A.
Identifiers: ClinVar variation 785364 (VCV000785364.14), dbSNP rs539458551, ClinGen allele CA6145720.